The following is an entry in ClinVar:

NM_000128.4(F11):c.1060G>A (p.Gly354Arg)

Gene: F11 (coagulation factor XI; plus strand). Cytogenetic location: 4q35.2.
Variant type: single nucleotide variant.
Coding change: c.1060G>A on transcript NM_000128.4 (MANE Select); coding-DNA position 1060, G replaced by A.
Protein change: p.Gly354Arg; replaces glycine 354 with arginine.
Molecular consequence: missense variant.
Genome position (GRCh38, 1-based): chr4:186,280,505, G>A. VCF-style: chr4-186280505-G-A. GRCh37 (hg19) VCF-style: chr4-187201659-G-A.
Other names: short protein forms G354R.
Identifiers: ClinVar variation 1482231 (VCV001482231.12), dbSNP rs777714867, ClinGen allele CA3163867.
Genomic context (GRCh38, chr4:186,280,505, plus strand): 5'-TGTTTATACCGTTTTGTTTCCAACTGCAGGGGCAAGTGTTACTTAAAGCTTTCTTCAAAC[G>A]GATCTCCAACTAAAATACTTCACGGGAGAGGAGGCATCTCTGGATACACATTAAGGTTGT-3'
Protein context (NP_000119.1, residues 344-364): GKCYLKLSSN[Gly354Arg]SPTKILHGRG

ClinVar aggregate classification (germline): Pathogenic/Likely pathogenic. Review status: criteria provided, multiple submitters, no conflicts (2 of 4 stars). 5 submissions from 5 submitters: Pathogenic (2); Likely pathogenic (3). Last evaluated 2025-10-13.

Conditions:
Hereditary factor XI deficiency disease. Also called: Congenital factor XI deficiency; PLASMA THROMBOPLASTIN ANTECEDENT DEFICIENCY; PTA DEFICIENCY; ROSENTHAL SYNDROME. Identifiers: Orphanet 329, MedGen C0015523, MeSH D005173, MONDO:0012897, OMIM 612416.
Plasma factor XI deficiency.

Allele frequency attached by ClinVar (database versions not stated): gnomAD exomes 0.00001; TOPMed 0.00001; ExAC 0.00002.

Submissions (5):

Myriad Genetics, Inc.
Classification: Likely pathogenic for Hereditary factor XI deficiency disease. Last evaluated: 2025-10-13. Review status: criteria provided, single submitter. Criteria: Myriad Autosomal Dominant, Autosomal Recessive and X-Linked Classification Criteria (2023). Collection method: clinical testing. Allele origin: unknown.
Comment: NM_000128.3(F11):c.1060G>A(G354R) is a missense variant classified as likely pathogenic in the context of factor XI deficiency. G354R has been observed in cases with relevant disease (PMID: 36195107, 24112640, 14717969, 21718436, Giovannoni_2015_Thesis). Relevant functional assessments of this variant are available in the literature (PMID: 21718436). G354R has been observed in referenced population frequency databases. In summary, NM_000128.3(F11):c.1060G>A(G354R) is a missense variant that has been observed more frequently in cases with the relevant disease than in healthy populations. Please note: this variant was assessed in the context of healthy population screening.

Natera, Inc.
Classification: Likely pathogenic for Plasma factor XI deficiency. Last evaluated: 2025-09-29. Review status: criteria provided, single submitter. Criteria: Natera Variant Classification Schema (03/2026). Collection method: clinical testing. Allele origin: germline.
Comment: The c.1060G>A variant in F11 is a missense variant predicted to cause substitution of glycine to arginine at amino acid 354. This variant is rare in the general population with a frequency below the threshold expected for the associated phenotype(s). This variant has been observed in one or more individuals affected with the associated recessive disease, as either homozygous or compound heterozygous with a second variant (PMID: 14717969, 24112640, 21718436). Functional studies show that this variant may disrupt protein function (PMID: 21718436). Computational prediction algorithms indicate this variant is likely to affect gene or protein function. Given the available evidence, this variant is classified as Likely Pathogenic.

Cell Therapy Center, University of Jordan
Classification: Pathogenic for Hereditary factor XI deficiency disease. Last evaluated: 2024-12-01. Review status: criteria provided, single submitter. Criteria: ACMG Guidelines, 2015. Collection method: clinical testing. Allele origin: germline. Inheritance: Autosomal recessive inheritance. Affected: yes and no. Observed: 2 heterozygotes. Clinical features observed: Reduced factor XI activity (HP:0001929), Menorrhagia (HP:0000132), Prolonged partial thromboplastin time (HP:0003645).
Comment: The F11 c.1060G>A (p.Gly354Arg), is a missense variant which classified as Pathogenic according to ACMG Guidelines (2015). PS4: applies since this variant appeared in affected cases before (Accession: VCV000068189.3).PM1 applies since it is located in an exonic hot spot without benign missense mutations located around ± 5 residues.PM2 applies since it is absent from controls in Sequencing Project the genomAD. PP2 applies since missense variations in the F11 gene is a common cause of disease. PP3 applies since in silico prediction is pathogenic strong 0.9-1.0 (Polyphen) and deleterious (SIFT). PP5 is still can be used since the mutation is reported as pathogenic in ClinVar where number of submissions: 1 Pathogenic (SCV001190240.1,). PS3 applies since functional studies support pathogenic effect based on ClinVar Accession: SCV002270808.4 ''Experimental studies have shown that this missense change affects F11 function (PMID: 21718436) altogether, giving the evidence that this variant is classified as pathogenic, meeting ACMG criteria PS4, PM1,PM2, PP2, PP3, PP5 and PS3.

Labcorp Genetics (formerly Invitae), Labcorp
Classification: Pathogenic. Last evaluated: 2023-04-30. Review status: criteria provided, single submitter. Criteria: Invitae Variant Classification Sherloc (09022015). Collection method: clinical testing. Allele origin: germline.
Comment: This sequence change replaces glycine, which is neutral and non-polar, with arginine, which is basic and polar, at codon 354 of the F11 protein (p.Gly354Arg). For these reasons, this variant has been classified as Pathogenic. Algorithms developed to predict the effect of sequence changes on RNA splicing suggest that this variant may disrupt the consensus splice site. Experimental studies have shown that this missense change affects F11 function (PMID: 21718436). Advanced modeling of protein sequence and biophysical properties (such as structural, functional, and spatial information, amino acid conservation, physicochemical variation, residue mobility, and thermodynamic stability) performed at Invitae indicates that this missense variant is expected to disrupt F11 protein function. ClinVar contains an entry for this variant (Variation ID: 1482231). This variant is also known as p.Gly336Arg. This missense change has been observed in individuals with autosomal recessive factor XI deficiency (PMID: 14717969, 21718436, 24112640). This variant is present in population databases (rs777714867, gnomAD 0.003%).

ISTH-SSC Genomics in Thrombosis and Hemostasis, KU Leuven, Center for Molecular and Vascular Biology
Classification: Likely pathogenic for Hereditary factor XI deficiency disease. Review status: criteria provided, single submitter. Criteria: ACMG Guidelines, 2015. Collection method: clinical testing. Allele origin: germline. Affected: yes. Observed: 1 heterozygote.
Comment: Submitted to GoldVariant by Kathleen Freson, Center for Molecular and Vascular Biology, Leuven, Belgium

Literature cited by the submitters: PubMed 21718436 (cited by 4 submitters); PubMed 14717969 (cited by Natera, Inc. and Labcorp Genetics (formerly Invitae), Labcorp); PubMed 24112640 (cited by Natera, Inc. and Labcorp Genetics (formerly Invitae), Labcorp); PubMed 41124306 (cited by Cell Therapy Center, University of Jordan).